The following is an entry in ClinVar:

NM_006648.4(WNK2):c.1655C>T (p.Pro552Leu)

Gene: WNK2 (WNK lysine deficient protein kinase 2; plus strand). Cytogenetic location: 9q22.31.
Variant type: single nucleotide variant.
Coding change: c.1655C>T on transcript NM_006648.4 (MANE Select); coding-DNA position 1655, C replaced by T.
Protein change: p.Pro552Leu; replaces proline 552 with leucine.
Molecular consequence: missense variant.
Genome position (GRCh38, 1-based): chr9:93,247,655, C>T. VCF-style: chr9-93247655-C-T. GRCh37 (hg19) VCF-style: chr9-96009937-C-T.
Other names: c.1655C>T, p.Pro552Leu (NM_001282394.3); short protein forms P552L.
Identifiers: ClinVar variation 3470313 (VCV003470313.1).

ClinVar aggregate classification (germline): Uncertain significance (1 of 4 stars; one submission).

Submission:

Ambry Genetics
Classification: Uncertain significance. Last evaluated: 2024-11-22. Review status: criteria provided, single submitter. Criteria: Ambry Variant Classification Scheme 2023. Collection method: clinical testing. Allele origin: germline.
Comment: The p.P552L variant (also known as c.1655C>T), located in coding exon 7 of the WNK2 gene, results from a C to T substitution at nucleotide position 1655. The proline at codon 552 is replaced by leucine, an amino acid with similar properties. This amino acid position is conserved. In addition, this alteration is predicted to be tolerated by in silico analysis. Based on the available evidence, the clinical significance of this variant remains unclear.